The following is an entry in ClinVar:

NM_133433.4(NIPBL):c.1807A>C (p.Lys603Gln)

Gene: NIPBL (NIPBL cohesin loading factor; plus strand). Cytogenetic location: 5p13.2.
Variant type: single nucleotide variant.
Coding change: c.1807A>C on transcript NM_133433.4 (MANE Select); coding-DNA position 1807, A replaced by C.
Protein change: p.Lys603Gln; replaces lysine 603 with glutamine.
Molecular consequence: missense variant.
Genome position (GRCh38, 1-based): chr5:36,984,987, A>C. VCF-style: chr5-36984987-A-C. GRCh37 (hg19) VCF-style: chr5-36985089-A-C.
Other names: c.1807A>C, p.Lys603Gln (NM_015384.5); short protein forms K603Q.
Identifiers: ClinVar variation 1780497 (VCV001780497.8), dbSNP rs138828510, ClinGen allele CA3236086.

ClinVar aggregate classification (germline): Likely benign. Review status: criteria provided, multiple submitters, no conflicts (2 of 4 stars). 3 submissions from 3 submitters: Likely benign (2). 1 of the submissions does not count toward it. Last evaluated 2025-10-16.

Conditions:
Inborn genetic diseases. Identifiers: MedGen C0950123, MeSH D030342.
Cornelia de Lange syndrome 1 (CDLS1). Also called: TYPUS DEGENERATIVUS AMSTELODAMENSIS; Brachmann de Lange syndrome; NIPBL-Related Cornelia de Lange Syndrome. Identifiers: Orphanet 199, MedGen C4551851, MONDO:0007387, OMIM 122470.
NIPBL-related disorder. Also called: NIPBL-related condition.

Allele frequency attached by ClinVar (database versions not stated): gnomAD exomes 0.00003; ExAC 0.00006; TOPMed 0.00020; gnomAD 0.00021; ESP Exome Variant Server 0.00038; 1000 Genomes Project 0.00040; 1000 Genomes Project 30x 0.00062.
gnomAD v4.1: 72 of 1,613,948 alleles (0.0045%); highest among the groups gnomAD compares: African/African-American, 0.084%; no homozygotes.

Submissions (3):

Labcorp Genetics (formerly Invitae), Labcorp
Classification: Likely benign for Cornelia de Lange syndrome 1. Last evaluated: 2025-10-16. Review status: criteria provided, single submitter. Criteria: Invitae Variant Classification Sherloc (09022015). Collection method: clinical testing. Allele origin: germline.

Ambry Genetics
Classification: Likely benign for Inborn genetic diseases. Last evaluated: 2021-08-09. Review status: criteria provided, single submitter. Criteria: Ambry Variant Classification Scheme 2023. Collection method: clinical testing. Allele origin: germline.

PreventionGenetics, part of Exact Sciences
Classification: Likely benign for NIPBL-related condition. Last evaluated: 2024-06-17. Review status: no assertion criteria provided. Collection method: clinical testing. Allele origin: germline. Not counted in ClinVar's aggregate classification.
Comment: This variant is classified as likely benign based on ACMG/AMP sequence variant interpretation guidelines (Richards et al. 2015 PMID: 25741868, with internal and published modifications).